The following is an entry in ClinVar:

ClinVar aggregate classification (germline): Uncertain significance (1 of 4 stars; one submission).

Conditions:
Hereditary cancer-predisposing syndrome. Also called: Neoplastic Syndromes, Hereditary; Hereditary Cancer Syndrome; Tumor predisposition; Hereditary neoplastic syndrome. Identifiers: Orphanet 140162, MedGen C0027672, MeSH D009386, MONDO:0015356.

Submission:

Ambry Genetics
Classification: Uncertain significance for Hereditary cancer-predisposing syndrome. Last evaluated: 2024-12-23. Review status: criteria provided, single submitter. Criteria: Ambry Variant Classification Scheme 2023. Collection method: clinical testing. Allele origin: germline.
Comment: The c.1068A>T variant (also known as p.S356S), located in coding exon 9 of the RAD51C gene, results from an A to T substitution at nucleotide position 1068. This nucleotide substitution does not change the amino acid at codon 356. This nucleotide position is well conserved in available vertebrate species. In silico splice site analysis for this alteration is inconclusive. Based on the available evidence, the clinical significance of this variant remains unclear.

NM_058216.3(RAD51C):c.1068A>T (p.Ser356=)

Gene: RAD51C (RAD51 paralog C; plus strand). Cytogenetic location: 17q22.
Variant type: single nucleotide variant.
Coding change: c.1068A>T on transcript NM_058216.3 (MANE Select); coding-DNA position 1068, A replaced by T.
Protein change: p.Ser356=; no amino-acid change (serine 356 retained).
Molecular consequence: synonymous variant. On other transcripts: non-coding transcript variant (1).
Genome position (GRCh38, 1-based): chr17:58,734,159, A>T. VCF-style: chr17-58734159-A-T. GRCh37 (hg19) VCF-style: chr17-56811520-A-T.
Identifiers: ClinVar variation 3786489 (VCV003786489.1).